The following is an entry in ClinVar:

NM_003900.5(SQSTM1):c.632C>G (p.Pro211Arg)

Gene: SQSTM1 (sequestosome 1; plus strand). Cytogenetic location: 5q35.3.
Variant type: single nucleotide variant.
Coding change: c.632C>G on transcript NM_003900.5 (MANE Select); coding-DNA position 632, C replaced by G.
Protein change: p.Pro211Arg; replaces proline 211 with arginine.
Molecular consequence: missense variant.
Genome position (GRCh38, 1-based): chr5:179,824,282, C>G. VCF-style: chr5-179824282-C-G. GRCh37 (hg19) VCF-style: chr5-179251282-C-G.
Other names: c.380C>G, p.Pro127Arg (NM_001142298.2, NM_001142299.2); short protein forms P127R, P211R.
Identifiers: ClinVar variation 666096 (VCV000666096.7), dbSNP rs368010261, ClinGen allele CA3600584.
Genomic context (GRCh38, chr5:179,824,282, plus strand): 5'-GACACTTCGGGTGGCCAGGATGGGAAATGGGTCCACCAGGAAACTGGAGCCCACGTCCTC[C>G]TCGTGCAGGGGAGGCCCGCCCTGGCCCCACGGCAGAATCAGGTGAGGCTTGTGTTGGAAC-3'
Protein context (NP_003891.1, residues 201-221): GPPGNWSPRP[Pro211Arg]RAGEARPGPT

ClinVar aggregate classification (germline): Uncertain significance. Review status: criteria provided, multiple submitters, no conflicts (2 of 4 stars). 2 submissions from 2 submitters: Uncertain significance (2). Last evaluated 2026-01-27.

Conditions:
Paget disease of bone 2, early-onset (PDB2). Also called: Paget disease of bone 2. Identifiers: MedGen C4085251, MONDO:0011183, OMIM 602080.
Frontotemporal dementia and/or amyotrophic lateral sclerosis 1 (FTDALS1). Also called: C9orf72 Frontotemporal Dementia and/or Amyotrophic Lateral Sclerosis; Frontotemporal dementia with motor neuron disease 1. Identifiers: Orphanet 275872, MedGen C5779877, MONDO:0007105, OMIM 105550.

Allele frequency attached by ClinVar (database versions not stated): ExAC 0.00001; gnomAD 0.00002; gnomAD exomes 0.00002 and 0.00004; TOPMed 0.00002; ESP Exome Variant Server 0.00008.
gnomAD v4.1: 55 of 1,613,692 alleles (0.0034%); highest among the groups gnomAD compares: Non-Finnish European, 0.0045%; no homozygotes.

Submissions (2):

Labcorp Genetics (formerly Invitae), Labcorp
Classification: Uncertain significance for Paget disease of bone 2, early-onset; Frontotemporal dementia and/or amyotrophic lateral sclerosis 1. Last evaluated: 2026-01-27. Review status: criteria provided, single submitter. Criteria: Invitae Variant Classification Sherloc (09022015). Collection method: clinical testing. Allele origin: germline.
Comment: This sequence change replaces proline, which is neutral and non-polar, with arginine, which is basic and polar, at codon 211 of the SQSTM1 protein (p.Pro211Arg). This variant is present in population databases (rs368010261, gnomAD 0.004%). This variant has not been reported in the literature in individuals affected with SQSTM1-related conditions. ClinVar contains an entry for this variant (Variation ID: 666096). Invitae Evidence Modeling of protein sequence and biophysical properties (such as structural, functional, and spatial information, amino acid conservation, physicochemical variation, residue mobility, and thermodynamic stability) indicates that this missense variant is not expected to disrupt SQSTM1 protein function with a negative predictive value of 80%. In summary, the available evidence is currently insufficient to determine the role of this variant in disease. Therefore, it has been classified as a Variant of Uncertain Significance.

Breakthrough Genomics
Classification: Uncertain significance. Review status: criteria provided, single submitter. Criteria: ACMG Guidelines, 2015. Collection method: not provided. Allele origin: germline. Inheritance: Autosomal recessive inheritance. Affected: yes.